The following is an entry in ClinVar:

NM_005476.7(GNE):c.302G>A (p.Arg101His)

Gene: GNE (glucosamine (UDP-N-acetyl)-2-epimerase/N-acetylmannosamine kinase; minus strand). Cytogenetic location: 9p13.3.
Variant type: single nucleotide variant.
Coding change: c.302G>A on transcript NM_005476.7 (MANE Select); coding-DNA position 302, G replaced by A.
Protein change: p.Arg101His; replaces arginine 101 with histidine.
Molecular consequence: missense variant.
Genome position (GRCh38, 1-based): chr9:36,246,345, C>T on the plus strand (G>A on the coding strand, the complement: GNE is on the minus strand). VCF-style: chr9-36246345-C-T. GRCh37 (hg19) VCF-style: chr9-36246342-C-T.
Other names: c.395G>A, p.Arg132His (NM_001128227.3); c.302G>A, p.Arg101His (NM_001190383.3, NM_001374797.1); c.125G>A, p.Arg42His (NM_001190384.3, NM_001190388.2, NM_001374798.1); short protein forms R101H, R132H, R42H.
Identifiers: ClinVar variation 1303134 (VCV001303134.12), dbSNP rs144727134, ClinGen allele CA5056738.

ClinVar aggregate classification (germline): Conflicting classifications of pathogenicity. Review status: criteria provided, conflicting classifications (1 of 4 stars). 7 submissions from 7 submitters: Pathogenic (2); Likely pathogenic (4); Uncertain significance (1). Last evaluated 2025-11-07.

Conditions:
GNE myopathy (NM). Also called: INCLUSION BODY MYOPATHY, HEREDITARY, AUTOSOMAL RECESSIVE; INCLUSION BODY MYOPATHY 2, AUTOSOMAL RECESSIVE; NONAKA DISTAL MYOPATHY; IBM 2; Inclusion body myopathy autosomal recessive; Inclusion body myopathy quadriceps sparing. Identifiers: Orphanet 602, MedGen C1853926, MONDO:0011603, OMIM 605820.
Sialuria. Also called: Sialic Acid Storage Disease; SIALURIA, FRENCH TYPE. Identifiers: Orphanet 3166, MedGen C0342853, MONDO:0010028, OMIM 269921.

Allele frequency attached by ClinVar (database versions not stated): ExAC 0.00001; gnomAD exomes 0.00001; TOPMed 0.00003; gnomAD 0.00002; ESP Exome Variant Server 0.00008.
gnomAD v4.1: 6 of 1,613,922 alleles (0.00037%); highest among the groups gnomAD compares: East Asian, 0.0045%; no homozygotes.

Submissions (7):

Natera, Inc.
Classification: Likely pathogenic for Nonaka myopathy. Last evaluated: 2025-11-07. Review status: criteria provided, single submitter. Criteria: Natera Variant Classification Schema (03/2026). Collection method: clinical testing. Allele origin: germline.
Comment: The c.395G>A variant in GNE is a missense variant predicted to cause substitution of arginine to histidine at amino acid 132. This variant is rare in the general population with a frequency below the threshold expected for the associated phenotype(s). This variant has been observed in one or more individuals affected with the associated recessive disease, as either homozygous or compound heterozygous with a second variant (PMID: 31286697, 24027297). Computational prediction algorithms indicate this variant is likely to affect gene or protein function. Given the available evidence, this variant is classified as Likely Pathogenic.

Labcorp Genetics (formerly Invitae), Labcorp
Classification: Likely pathogenic for Sialuria; GNE myopathy. Last evaluated: 2025-10-17. Review status: criteria provided, single submitter. Criteria: Invitae Variant Classification Sherloc (09022015). Collection method: clinical testing. Allele origin: germline.
Comment: This sequence change replaces arginine, which is basic and polar, with histidine, which is basic and polar, at codon 132 of the GNE protein (p.Arg132His). This variant is present in population databases (rs144727134, gnomAD 0.006%). This missense change has been observed in individuals with autosomal recessive GNE-related myopathy (PMID: 22855677, 24027297, 39332896). This variant is also known as p.R101H or p.Arg101His. ClinVar contains an entry for this variant (Variation ID: 1303134). Invitae Evidence Modeling of protein sequence and biophysical properties (such as structural, functional, and spatial information, amino acid conservation, physicochemical variation, residue mobility, and thermodynamic stability) has been performed for this missense variant. However, the output from this modeling did not meet the statistical confidence thresholds required to predict the impact of this variant on GNE protein function. This variant disrupts the p.Arg132 amino acid residue in GNE. Other variant(s) that disrupt this residue have been determined to be pathogenic (PMID: 22883483, 28099567). This suggests that this residue is clinically significant, and that variants that disrupt this residue are likely to be disease-causing. In summary, the currently available evidence indicates that the variant is pathogenic, but additional data are needed to prove that conclusively. Therefore, this variant has been classified as Likely Pathogenic.

MVZ Medizinische Genetik Mainz
Classification: Likely pathogenic for GNE myopathy. Last evaluated: 2025-05-07. Review status: criteria provided, single submitter. Criteria: UK Practice Guidelines For Variant Classification V4 01 2020. Collection method: clinical testing. Allele origin: germline. Inheritance: Autosomal recessive inheritance. Affected: yes. Observed: 1 variant allele.
Comment: ACMG Criteria: PM3,PM5,PP1_MOD,PP3_MOD,PM2_SUP

Women's Health and Genetics/Laboratory Corporation of America, LabCorp
Classification: Likely pathogenic for GNE myopathy. Last evaluated: 2024-12-18. Review status: criteria provided, single submitter. Criteria: LabCorp Variant Classification Summary - May 2015. Collection method: clinical testing. Allele origin: germline.
Comment: Variant summary: GNE c.395G>A (p.Arg132His) results in a non-conservative amino acid change located in the UDP-N-acetylglucosamine 2-epimerase domain of the encoded protein sequence. Four of four in-silico tools predict a damaging effect of the variant on protein function. The variant allele was found at a frequency of 8e-06 in 251206 control chromosomes. c.395G>A also known as c.302G>A (p.R101H) has been reported in the literature in individuals affected with Inclusion Body Myopathy 2 (examples: Ikeda-Sakai_2012, Park_2019). These data indicate that the variant is likely to be associated with disease. To our knowledge, no experimental evidence demonstrating an impact on protein function has been reported. The following publications have been ascertained in the context of this evaluation (PMID: 22855677, 31286697). ClinVar contains an entry for this variant (Variation ID: 1303134). Based on the evidence outlined above, the variant was classified as likely pathogenic.

Baylor Genetics
Classification: Pathogenic for GNE myopathy. Last evaluated: 2023-09-06. Review status: criteria provided, single submitter. Criteria: ACMG Guidelines, 2015. Collection method: clinical testing. Allele origin: unknown.

Laboratory of Medical Genetics, National & Kapodistrian University of Athens
Classification: Pathogenic for GNE myopathy. Last evaluated: 2022-12-19. Review status: criteria provided, single submitter. Criteria: ACMG Guidelines, 2015. Collection method: clinical testing. Allele origin: germline. Affected: yes.
Comment: PM1, PM2, PM5, PP2, PP3, PP5

GeneDx
Classification: Uncertain significance. Last evaluated: 2021-06-17. Review status: criteria provided, single submitter. Criteria: GeneDx Variant Classification Process June 2021. Collection method: clinical testing. Allele origin: germline. Affected: yes.
Comment: Missense variants in this gene are often considered pathogenic (Stenson et al., 2014); In silico analysis supports that this missense variant does not alter protein structure/function; This variant is associated with the following publications: (PMID: 24796702, 22855677, 31286697, 28397838, 24077912)

Literature cited by the submitters: PubMed 31286697 (cited by Natera, Inc. and Women's Health and Genetics/Laboratory Corporation of America, LabCorp); PubMed 24027297 (cited by Natera, Inc. and Labcorp Genetics (formerly Invitae), Labcorp); PubMed 22855677 (cited by Labcorp Genetics (formerly Invitae), Labcorp and Women's Health and Genetics/Laboratory Corporation of America, LabCorp); PubMed 39332896 (cited by Labcorp Genetics (formerly Invitae), Labcorp); PubMed 22883483 (cited by Labcorp Genetics (formerly Invitae), Labcorp); PubMed 28099567 (cited by Labcorp Genetics (formerly Invitae), Labcorp).